The following is an entry in ClinVar:

ClinVar aggregate classification (germline): Likely pathogenic (1 of 4 stars; one submission).

Conditions:
Hemochromatosis type 4 (HFE4). Also called: HEMOCHROMATOSIS DUE TO DEFECT IN FERROPORTIN; HEMOCHROMATOSIS, AUTOSOMAL DOMINANT; Ferroportin disease. Identifiers: Orphanet 139491, Orphanet 647834, Orphanet 648562, MedGen C1853733, MONDO:0011631, OMIM 606069.

Submission:

Human Genetics Unit, University Of Colombo
Classification: Likely pathogenic for Hemochromatosis type 4. Last evaluated: 2021-02-01. Review status: criteria provided, single submitter. Criteria: ACMG Guidelines, 2015. Collection method: clinical testing. Allele origin: germline. Inheritance: Autosomal dominant inheritance. Affected: yes. Observed: 1 variant allele, 1 heterozygote.
Comment: Moreover, parents were carriers for Beta Thalassaemia (confirmed by HPLC).

Literature cited by the submitters: PubMed 16813613; DOI 10.21203/rs.3.rs-541471/v1.

NM_014585.6(SLC40A1):c.1263_1264insGTGAGATTGACAAGAACAGTTTGACAGTCAGAAGGTGCCACAAATCCTGCATTCAAGGAGAGTCAATTACACCTACC (p.Lys422delinsValArgLeuThrArgThrValTer)

Gene: SLC40A1 (solute carrier family 40 member 1; minus strand). Cytogenetic location: 2q32.2.
Variant type: Insertion.
Coding change: c.1263_1264insGTGAGATTGACAAGAACAGTTTGACAGTCAGAAGGTGCCACAAATCCTGCATTCAAGGAGAGTCAATTACACCTACC on transcript NM_014585.6 (MANE Select); coding-DNA positions 1263 to 1264, GTGAGATTGACAAGAACAGTTTGACAGTCAGAAGGTGCCACAAATCCTGCATTCAAGGAGAGTCAATTACACCTACC inserted.
Protein change: p.Lys422delinsValArgLeuThrArgThrValTer.
Molecular consequence: nonsense.
Genome position: GRCh38: chr2:189,563,750-189,563,751. GRCh37 (hg19): chr2:190,428,476-190,428,477.
Identifiers: ClinVar variation 1209854 (VCV001209854.4), dbSNP rs2105620059, ClinGen allele CA2499215545.